The following is an entry in ClinVar:

NM_172201.2(KCNE2):c.365C>T (p.Ser122Phe)

Genes: KCNE2 (potassium voltage-gated channel subfamily E regulatory subunit 2; plus strand), LOC105372791 (uncharacterized LOC105372791; minus strand). Cytogenetic location: 21q22.11.
Variant type: single nucleotide variant.
Coding change: c.365C>T on transcript NM_172201.2 (MANE Select); coding-DNA position 365, C replaced by T.
Protein change: p.Ser122Phe; replaces serine 122 with phenylalanine.
Molecular consequence: missense variant.
Genome position (GRCh38, 1-based): chr21:34,370,843, C>T. VCF-style: chr21-34370843-C-T. GRCh37 (hg19) VCF-style: chr21-35743142-C-T.
Other names: short protein forms S122F.
Identifiers: ClinVar variation 1008832 (VCV001008832.9), dbSNP rs1979560748, ClinGen allele CA410197272.
Genomic context (GRCh38, chr21:34,370,843, plus strand): 5'-ATCTAGAAGAATCGAAGGCCACCATCCATGAGAACATTGGTGCGGCTGGGTTCAAAATGT[C>T]CCCCTGATAAGGGAGAAAGGCACCAAGCTAACATCTGACGTCCAGACATGAAGAGATGCC-3'
Protein context (NP_751951.1, residues 112-123): ENIGAAGFKM[Ser122Phe]P

ClinVar aggregate classification (germline): Uncertain significance (1 of 4 stars; one submission).

Conditions:
Long QT syndrome 6 (LQT6). Identifiers: Orphanet 101016, Orphanet 768, MedGen C3150953, MONDO:0013370, OMIM 613693.

Submission:

Labcorp Genetics (formerly Invitae), Labcorp
Classification: Uncertain significance for Long QT syndrome 6. Last evaluated: 2020-10-15. Review status: criteria provided, single submitter. Criteria: Invitae Variant Classification Sherloc (09022015). Collection method: clinical testing. Allele origin: germline.
Comment: Algorithms developed to predict the effect of missense changes on protein structure and function are either unavailable or do not agree on the potential impact of this missense change (SIFT: "Deleterious"; PolyPhen-2: "Benign"; Align-GVGD: "Class C0"). In summary, the available evidence is currently insufficient to determine the role of this variant in disease. Therefore, it has been classified as a Variant of Uncertain Significance. This variant has not been reported in the literature in individuals with KCNE2-related conditions. This variant is not present in population databases (ExAC no frequency). This sequence change replaces serine with phenylalanine at codon 122 of the KCNE2 protein (p.Ser122Phe). The serine residue is moderately conserved and there is a large physicochemical difference between serine and phenylalanine.